The following is an entry in ClinVar:

ClinVar aggregate classification (germline): Pathogenic. Review status: criteria provided, single submitter (1 of 4 stars). 2 submissions from 2 submitters: Pathogenic (1). 1 of the submissions does not count toward it. Last evaluated 2017-02-24.

Conditions:
MEGF10-related myopathy (CMYO10A). Also called: Congenital myopathy 10A, severe variant. Identifiers: Orphanet 439212, MedGen C3280679, MONDO:0013731, OMIM 614399.

Submissions (2):

GeneDx
Classification: Pathogenic. Last evaluated: 2017-02-24. Review status: criteria provided, single submitter. Criteria: GeneDx Variant Classification (06012015). Collection method: clinical testing. Allele origin: germline. Affected: yes.
Comment: The C767X variant in the MEGF10 gene has been reported previously in the homozygous state in two siblings with early onset myopathy, areflexia, respiratory distress, and dysphagia (Logan et al., 2011). The C767X variant is not observed in large population cohorts (Lek et al., 2016; 1000 Genomes Consortium et al., 2015; Exome Variant Server). This variant is predicted to cause loss of normal protein function either through protein truncation or nonsense-mediated mRNA decay. We interpret C767X as a pathogenic variant.

OMIM
Classification: Pathogenic for CONGENITAL MYOPATHY 10A, SEVERE VARIANT. Last evaluated: 2011-11-20. Review status: no assertion criteria provided. Collection method: literature only. Allele origin: germline. Not counted in ClinVar's aggregate classification.

Literature cited by the submitters: PubMed 17236770 (cited by OMIM); PubMed 22101682 (cited by OMIM).

NM_001256545.2(MEGF10):c.2301C>A (p.Cys767Ter)

Gene: MEGF10 (multiple EGF like domains 10; plus strand). Cytogenetic location: 5q23.2.
Variant type: single nucleotide variant.
Coding change: c.2301C>A on transcript NM_001256545.2 (MANE Select); coding-DNA position 2301, C replaced by A.
Protein change: p.Cys767Ter; replaces cysteine 767 with a stop codon.
Molecular consequence: nonsense.
Genome position (GRCh38, 1-based): chr5:127,440,806, C>A. VCF-style: chr5-127440806-C-A. GRCh37 (hg19) VCF-style: chr5-126776498-C-A.
Other names: c.2301C>A, p.Cys767Ter (NM_032446.3); short protein forms C767*.
Identifiers: ClinVar variation 30962 (VCV000030962.4), dbSNP rs387907071, ClinGen allele CA129567.
Genomic context (GRCh38, chr5:127,440,806, plus strand): 5'-TCTAGGGTTTTATGGAAAAGATTGTGCACTGATATGCCAATGTCAAAACGGAGCTGACTG[C>A]GACCACATTTCTGGGCAGTGTACTTGCCGCACTGGATTCATGGGACGGCACTGTGAGCAG-3'